The following is an entry in ClinVar:

ClinVar aggregate classification (germline): Uncertain significance (1 of 4 stars; one submission).

Conditions:
Werner syndrome (WRN). Identifiers: Orphanet 902, MedGen C0043119, MONDO:0010196, OMIM 277700.

Allele frequency attached by ClinVar (database versions not stated): gnomAD exomes 0.00005.

Submission:

Labcorp Genetics (formerly Invitae), Labcorp
Classification: Uncertain significance for Werner syndrome. Last evaluated: 2020-10-08. Review status: criteria provided, single submitter. Criteria: Invitae Variant Classification Sherloc (09022015). Collection method: clinical testing. Allele origin: germline.
Comment: In summary, the available evidence is currently insufficient to determine the role of this variant in disease. Therefore, it has been classified as a Variant of Uncertain Significance. Algorithms developed to predict the effect of missense changes on protein structure and function do not agree on the potential impact of this missense change (SIFT: "Deleterious"; PolyPhen-2: "Probably Damaging"; Align-GVGD: "Class C0"). This variant has not been reported in the literature in individuals with WRN-related disease. This variant is not present in population databases (ExAC no frequency). This sequence change replaces glycine with tryptophan at codon 326 of the WRN protein (p.Gly326Trp). The glycine residue is weakly conserved and there is a large physicochemical difference between glycine and tryptophan.

NM_000553.6(WRN):c.976G>T (p.Gly326Trp)

Gene: WRN (WRN RecQ like helicase; plus strand). Cytogenetic location: 8p12.
Variant type: single nucleotide variant.
Coding change: c.976G>T on transcript NM_000553.6 (MANE Select); coding-DNA position 976, G replaced by T.
Protein change: p.Gly326Trp; replaces glycine 326 with tryptophan.
Molecular consequence: missense variant.
Genome position (GRCh38, 1-based): chr8:31,081,003, G>T. VCF-style: chr8-31081003-G-T. GRCh37 (hg19) VCF-style: chr8-30938519-G-T.
Other names: short protein forms G326W.
Identifiers: ClinVar variation 528145 (VCV000528145.4), dbSNP rs1257404494, ClinGen allele CA370920091.
Genomic context (GRCh38, chr8:31,081,003, plus strand): 5'-GAGACTGAACTGAGGCCCAGCAATAATTTAAACTTATTATCCTTTGAAGATTCAACTACT[G>T]GGGGAGTACAACAGAAACAAATTAGAGAACATGAAGTTTTAATTCACGTTGAAGATGAAA-3'
Protein context (NP_000544.2, residues 316-336): NLLSFEDSTT[Gly326Trp]GVQQKQIREH